The following is an entry in ClinVar:

ClinVar aggregate classification (germline): Pathogenic. Review status: criteria provided, multiple submitters, no conflicts (2 of 4 stars). 10 submissions from 10 submitters: Pathogenic (9). 1 of the submissions does not count toward it. Last evaluated 2025-06-23.

Conditions:
Fanconi anemia complementation group G. Also called: FANCG-Related Fanconi Anemia; Fanconi anemia group G. Identifiers: Orphanet 84, MedGen C3469527, MONDO:0013565, OMIM 614082.
Fanconi anemia (FA). Also called: Fanconi's anemia. Identifiers: Orphanet 84, MedGen C0015625, MeSH D005199, MONDO:0019391.

Submissions (10):

Revvity Omics, Revvity
Classification: Pathogenic for Fanconi anemia complementation group G. Last evaluated: 2025-06-23. Review status: criteria provided, single submitter. Criteria: ACMG Guidelines, 2015. Collection method: clinical testing. Allele origin: germline.

Natera, Inc.
Classification: Pathogenic for Fanconi anemia group G. Last evaluated: 2024-12-18. Review status: criteria provided, single submitter. Criteria: Natera Variant Classification Schema (03/2026). Collection method: clinical testing. Allele origin: germline.
Comment: The c.637_643delTACCGCC variant in FANCG is a frameshift variant predicted to shift the reading frame beginning at codon 213 and leads to a stop codon 6 codons downstream. This variant is expected to result in nonsense mediated decay, truncation, or a dysfunctional protein product. This variant is rare in the general population with a frequency below the threshold expected for the associated phenotype(s). This variant has been observed in one or more individuals affected with the associated recessive disease, as either homozygous or compound heterozygous with a second variant (PMID: 15657175). Given the available evidence, this variant is classified as Pathogenic.

Genomic Medicine Center of Excellence, King Faisal Specialist Hospital and Research Centre
Classification: Pathogenic for Fanconi anemia complementation group G. Last evaluated: 2024-09-22. Review status: criteria provided, single submitter. Criteria: ACMG Guidelines, 2015. Collection method: clinical testing. Allele origin: germline.

KCCC/NGS Laboratory, Kuwait Cancer Control Center
Classification: Pathogenic for Fanconi anemia complementation group G. Last evaluated: 2024-04-03. Review status: criteria provided, single submitter. Criteria: ACMG Guidelines, 2015. Collection method: clinical testing. Allele origin: germline. Inheritance: Autosomal recessive inheritance. Affected: no.
Comment: This sequence change creates a premature translational stop signal (p.Tyr213Lysfs*6) in the FANCG gene. It is expected to result in an absent or disrupted protein product. Loss-of-function variants in FANCG are known to be pathogenic (PMID: 12552564). This variant is present in population databases (rs587776640, gnomAD 0.007%). This premature translational stop signal has been observed in individuals with Fanconi anemia (FA) (PMID: 15657175, 24136620, 26968956). It is commonly reported in individuals of South African ancestry (PMID: 15657175, 24136620, 26968956). ClinVar contains an entry for this variant (Variation ID: 6719). For these reasons, this variant has been classified as Pathogenic.This sequence change creates a premature translational stop signal (p.Tyr213Lysfs*6) in the FANCG gene. It is expected to result in an absent or disrupted protein product. Loss-offunction variants in FANCG are known to be pathogenic (PMID: 12552564). This variant is present in population databases (rs587776640, gnomAD 0.007%). This premature translational stop signal has been observed in individuals with Fanconi anemia (FA) (PMID: 15657175, 24136620, 26968956). It is commonly reported in individuals of South African ancestry (PMID: 15657175, 24136620, 26968956). ClinVar contains an entry for this variant (Variation ID: 6719). For these reasons, this variant has been classified as Pathogenic.

Baylor Genetics
Classification: Pathogenic for Fanconi anemia complementation group G. Last evaluated: 2023-12-22. Review status: criteria provided, single submitter. Criteria: ACMG Guidelines, 2015. Collection method: clinical testing. Allele origin: unknown.

Labcorp Genetics (formerly Invitae), Labcorp
Classification: Pathogenic for Fanconi anemia. Last evaluated: 2023-09-27. Review status: criteria provided, single submitter. Criteria: Invitae Variant Classification Sherloc (09022015). Collection method: clinical testing. Allele origin: germline.
Comment: This sequence change creates a premature translational stop signal (p.Tyr213Lysfs*6) in the FANCG gene. It is expected to result in an absent or disrupted protein product. Loss-of-function variants in FANCG are known to be pathogenic (PMID: 12552564). For these reasons, this variant has been classified as Pathogenic. ClinVar contains an entry for this variant (Variation ID: 6719). This premature translational stop signal has been observed in individuals with Fanconi anemia (FA) (PMID: 15657175, 24136620, 26968956). It is commonly reported in individuals of South African ancestry (PMID: 15657175, 24136620, 26968956). This variant is present in population databases (rs587776640, gnomAD 0.007%).

Division of Human Genetics, National Health Laboratory Service/University of the Witwatersrand
Classification: Pathogenic for Fanconi anemia. Last evaluated: 2023-07-01. Review status: criteria provided, single submitter. Criteria: ACMG Guidelines, 2015. Collection method: research. Allele origin: germline. Affected: yes.

Laboratory for Molecular Medicine, Mass General Brigham Personalized Medicine
Classification: Pathogenic for Fanconi anemia. Last evaluated: 2022-06-30. Review status: criteria provided, single submitter. Criteria: ACMG Guidelines, 2015. Collection method: clinical testing. Allele origin: germline.
Comment: The p.Tyr213LysfsX6 or c.637_643delTACCGCC variant in FANCG has been reported in the homozygous state in more than 50 individuals with Fanconi anemia (FA) (Morgan N. 2005 PMID: 15657175, Feben C. 2014 PMID: 24136620, Ghazwani Y. 2016 PMID: 26968956). This variand was identified in 0.006% (1/16256) of African chromosomes by gnomAD; however, this frequency is low enough to be consistent with a recessive carrier frequency. This variant is reported in ClinVar (variation ID: 6719). This variant is predicted to cause a frameshift, which alters the protein’s amino acid sequence beginning at position 213 and leads to a premature termination codon 6 amino acids downstream. Loss of function of the FANCG gene is an established disease mechanism in autosomal recessive FA. In summary, this variant meets criteria to be classified as pathogenic for autosomal recessive Fanconi anemia. ACMG/AMP criteria applied: PVS1, PS4, PM2_Supporting.

GeneDx
Classification: Pathogenic. Last evaluated: 2022-05-24. Review status: criteria provided, single submitter. Criteria: GeneDx Variant Classification Process June 2021. Collection method: clinical testing. Allele origin: germline. Affected: yes.
Comment: Frameshift variant predicted to result in protein truncation or nonsense mediated decay in a gene for which loss-of-function is a known mechanism of disease; Published functional studies demonstrate no detectable FANCG protein in lymphoblastoid cell lines from individuals homozygous for this variant (Morgan et al., 2005); Common pathogenic variant in individual of black South African background, with more than 80% of affected individuals carrying this variant (Morgan et al., 2005; Feben et al., 2015); This variant is associated with the following publications: (PMID: 24300640, 25477267, 24136620, 15657175, 26968956, 27959697, 11126723, 29843852, 26596371, 26962299, 29154021, 28185119, 32529760, 27535533)

OMIM
Classification: Pathogenic for FANCONI ANEMIA, COMPLEMENTATION GROUP G. Last evaluated: 2005-05-01. Review status: no assertion criteria provided. Collection method: literature only. Allele origin: unknown. Not counted in ClinVar's aggregate classification.

Literature cited by the submitters: PubMed 15657175 (cited by 3 submitters); PubMed 12552564 (cited by Labcorp Genetics (formerly Invitae), Labcorp); PubMed 24136620 (cited by Labcorp Genetics (formerly Invitae), Labcorp); PubMed 26968956 (cited by Labcorp Genetics (formerly Invitae), Labcorp); PubMed 11126723 (cited by OMIM).

NM_004629.2(FANCG):c.637_643del (p.Tyr213fs)

Gene: FANCG (FA complementation group G; minus strand). Cytogenetic location: 9p13.3.
Variant type: Deletion.
Coding change: c.637_643del on transcript NM_004629.2 (MANE Select); coding-DNA positions 637 to 643, 7 bases deleted (TACCGCC; older notation c.637_643delTACCGCC).
Protein change: p.Tyr213fs; shifts the reading frame from tyrosine 213.
Molecular consequence: frameshift variant.
Genome position (GRCh38, 1-based): chr9:35,077,267-35,077,273, GGCGGTA deleted on the plus strand (TACCGCC on the coding strand, the reverse complement: FANCG is on the minus strand); deleting any 7 consecutive bases within chr9:35,077,267-35,077,276 gives the same sequence; the c. name uses the placement nearest the transcript's 3' end. VCF-style (leftmost placement, unchanged base first): chr9-35077266-TGGCGGTA-T. GRCh37 (hg19) VCF-style: chr9-35077263-TGGCGGTA-T.
Other names: c.637_643delTACCGCC (NM_004629.1); short protein forms Y213fs.
Identifiers: ClinVar variation 6719 (VCV000006719.22), dbSNP rs587776640, ClinGen allele CA253931.
Genomic context (GRCh38, chr9:35,077,266, plus strand): 5'-GGCATGAGTCTGGAGGACCACTTAAAGGTAGAAGAGATGAGTCAGGTTGCTAGCTGACCT[TGGCGGTA>T]GGCAAATGCTGTCAGGAGGACATCCTTCAATCCCTGGGCATCCTGCAGGGTCAATGGAGC-3'